The following is an entry in ClinVar:

NM_001035.3(RYR2):c.1170+1G>C

Gene: RYR2 (ryanodine receptor 2; plus strand). Cytogenetic location: 1q43.
Variant type: single nucleotide variant.
Coding change: c.1170+1G>C on transcript NM_001035.3 (MANE Select); the canonical splice donor site of the intron after coding-DNA position 1170, G replaced by C.
Molecular consequence: splice donor variant.
Genome position (GRCh38, 1-based): chr1:237,441,484, G>C. VCF-style: chr1-237441484-G-C. GRCh37 (hg19) VCF-style: chr1-237604784-G-C.
Identifiers: ClinVar variation 955785 (VCV000955785.9), dbSNP rs1707898107, ClinGen allele CA345376677.
Genomic context (GRCh38, chr1:237,441,484, plus strand): 5'-TGGCTTACTTACCAGTCTGTGGACGTGAAATCCGTGAGAATGGGATCTATACAACGTAAG[G>C]TAAGGTGATAGAAAAAAACATAATTTATAGAAGTAATTTTTTATGAATACACAAGCACAA-3'

ClinVar aggregate classification (germline): Uncertain significance (1 of 4 stars; one submission).

Conditions:
Catecholaminergic polymorphic ventricular tachycardia 1. Also called: VENTRICULAR TACHYCARDIA, STRESS-INDUCED POLYMORPHIC 1; RYR2-Related Catecholaminergic Polymorphic Ventricular Tachycardia; VENTRICULAR TACHYCARDIA, CATECHOLAMINERGIC POLYMORPHIC, 1, WITH OR WITHOUT ATRIAL DYSFUNCTION AND/OR DILATED CARDIOMYOPATHY. Identifiers: Orphanet 3286, MedGen C1631597, MONDO:0011484, OMIM 604772.

Submission:

Labcorp Genetics (formerly Invitae), Labcorp
Classification: Uncertain significance for Catecholaminergic polymorphic ventricular tachycardia 1. Last evaluated: 2019-09-13. Review status: criteria provided, single submitter. Criteria: Invitae Variant Classification Sherloc (09022015). Collection method: clinical testing. Allele origin: germline.
Comment: This variant is not present in population databases (ExAC no frequency). This sequence change affects a donor splice site in intron 13 of the RYR2 gene. It is expected to disrupt RNA splicing and likely results in an absent or disrupted protein product. This variant has not been reported in the literature in individuals with RYR2-related conditions. Algorithms developed to predict the effect of sequence changes on RNA splicing suggest that this variant may disrupt the consensus splice site, but this prediction has not been confirmed by published transcriptional studies. The current clinical and genetic evidence is not sufficient to establish whether loss-of-function variants in RYR2 cause disease. In summary, the available evidence is currently insufficient to determine the role of this variant in disease. Therefore, it has been classified as a Variant of Uncertain Significance.